The following is an entry in ClinVar:

ClinVar aggregate classification (germline): Uncertain significance. Review status: criteria provided, multiple submitters, no conflicts (2 of 4 stars). 2 submissions from 2 submitters: Uncertain significance (2). Last evaluated 2025-11-21.

Conditions:
Intellectual developmental disorder, autosomal dominant 46. Also called: MENTAL RETARDATION, AUTOSOMAL DOMINANT 46; Intellectual disability, autosomal dominant 46. Identifiers: MedGen C4539851, MONDO:0030911, OMIM 617601.

Submissions (2):

Dasa
Classification: Uncertain significance for Intellectual developmental disorder, autosomal dominant 46. Last evaluated: 2025-11-21. Review status: criteria provided, single submitter. Criteria: DASA Assertion Criteria. Collection method: clinical testing. Allele origin: germline.
Comment: NM_019842.4(KCNQ5):c.2337C>G (p.Asp779Glu) is a missense variant that results in the substitution of aspartic acid with glutamic acid. This variant is absent from population databases. The currently available literature and clinical evidence are not sufficient to establish a definitive association between this variant and the reported condition. Therefore, this variant is classified as a variant of uncertain significance.

Labcorp Genetics (formerly Invitae), Labcorp
Classification: Uncertain significance. Last evaluated: 2025-11-17. Review status: criteria provided, single submitter. Criteria: Invitae Variant Classification Sherloc (09022015). Collection method: clinical testing. Allele origin: germline.
Comment: This sequence change replaces aspartic acid, which is acidic and polar, with glutamic acid, which is acidic and polar, at codon 798 of the KCNQ5 protein (p.Asp798Glu). This variant is not present in population databases (gnomAD no frequency). This variant has not been reported in the literature in individuals affected with KCNQ5-related conditions. ClinVar contains an entry for this variant (Variation ID: 3680745). Invitae Evidence Modeling of protein sequence and biophysical properties (such as structural, functional, and spatial information, amino acid conservation, physicochemical variation, residue mobility, and thermodynamic stability) indicates that this missense variant is not expected to disrupt KCNQ5 protein function with a negative predictive value of 95%. In summary, the available evidence is currently insufficient to determine the role of this variant in disease. Therefore, it has been classified as a Variant of Uncertain Significance.

NM_019842.4(KCNQ5):c.2337C>G (p.Asp779Glu)

Gene: KCNQ5 (potassium voltage-gated channel subfamily Q member 5; plus strand). Cytogenetic location: 6q13.
Variant type: single nucleotide variant.
Coding change: c.2337C>G on transcript NM_019842.4 (MANE Select); coding-DNA position 2337, C replaced by G.
Protein change: p.Asp779Glu; replaces aspartic acid 779 with glutamic acid.
Molecular consequence: missense variant.
Genome position (GRCh38, 1-based): chr6:73,194,952, C>G. VCF-style: chr6-73194952-C-G. GRCh37 (hg19) VCF-style: chr6-73904675-C-G.
Other names: c.2310C>G, p.Asp770Glu (NM_001160130.2); c.2367C>G, p.Asp789Glu (NM_001160132.2); c.2394C>G, p.Asp798Glu (NM_001160133.2); c.2007C>G, p.Asp669Glu (NM_001160134.2); short protein forms D770E, D669E, D779E, D789E, D798E.
Identifiers: ClinVar variation 3680745 (VCV003680745.4).